The following is an entry in ClinVar:

NM_004933.3(CDH15):c.1230C>G (p.Leu410=)

Gene: CDH15 (cadherin 15; plus strand). Cytogenetic location: 16q24.3.
Variant type: single nucleotide variant.
Coding change: c.1230C>G on transcript NM_004933.3 (MANE Select); coding-DNA position 1230, C replaced by G.
Protein change: p.Leu410=; no amino-acid change (leucine 410 retained).
Molecular consequence: synonymous variant.
Genome position (GRCh38, 1-based): chr16:89,190,494, C>G. VCF-style: chr16-89190494-C-G. GRCh37 (hg19) VCF-style: chr16-89256902-C-G.
Identifiers: ClinVar variation 3385079 (VCV003385079.1).

ClinVar aggregate classification (germline): Uncertain significance (1 of 4 stars; one submission).

Submission:

Women's Health and Genetics/Laboratory Corporation of America, LabCorp
Classification: Uncertain significance. Last evaluated: 2024-10-31. Review status: criteria provided, single submitter. Criteria: LabCorp Variant Classification Summary - May 2015. Collection method: clinical testing. Allele origin: germline.
Comment: Variant summary: CDH15 c.1230C>G (p.Leu410Leu) alters a conserved nucleotide located close to a canonical splice site and therefore could affect mRNA splicing, leading to a significantly altered protein sequence. Several computational tools predict a significant impact on normal splicing: Two predict the variant weakens a 5' donor site. One predicts the variant has no significant impact on splicing. However, these predictions have yet to be confirmed by functional studies. The variant was absent in 198868 control chromosomes. The available data on variant occurrences in the general population are insufficient to allow any conclusion about variant significance. To our knowledge, no occurrence of c.1230C>G in individuals affected with Intellectual Disability and no experimental evidence demonstrating its impact on protein function have been reported. No submitters have cited clinical-significance assessments for this variant to ClinVar. Based on the evidence outlined above, the variant was classified as uncertain significance.